The following is an entry in ClinVar:

ClinVar aggregate classification (germline): Uncertain significance (1 of 4 stars; one submission).

Conditions:
Autosomal dominant Alport syndrome (ATS3A). Also called: Alport syndrome dominant type; Renal failure and sensorineural hearing loss; ALPORT SYNDROME 3A, AUTOSOMAL DOMINANT. Identifiers: Orphanet 63, Orphanet 88918, MedGen C5882663, MONDO:0007086, OMIM 104200.

Submission:

Genetics laboratory, Institute of Kidney Diseases & Research Centre Dr. H.L. Trivedi Institute Of Transplantation Sciences
Classification: Uncertain significance for Autosomal dominant Alport syndrome. Last evaluated: 2024-10-11. Review status: criteria provided, single submitter. Criteria: ACMG Guidelines, 2015. Collection method: clinical testing. Allele origin: germline. Inheritance: Autosomal dominant inheritance. Affected: yes. Observed: 1 variant allele, 1 heterozygote.
Comment: The COL4A3 variant c.3047G>T (p.Ser1016Ile) is classified as a Variant of Uncertain Significance based on currently available evidence. Although the variant is rare in population databases, its clinical significance remains unclear due to insufficient functional and disease-specific evidence.

NM_000091.5(COL4A3):c.3047G>T (p.Ser1016Ile)

Genes: COL4A3 (collagen type IV alpha 3 chain; plus strand), MFF-DT (MFF divergent transcript; minus strand). Cytogenetic location: 2q36.3.
Variant type: single nucleotide variant.
Coding change: c.3047G>T on transcript NM_000091.5 (MANE Select); coding-DNA position 3047, G replaced by T.
Protein change: p.Ser1016Ile; replaces serine 1016 with isoleucine.
Molecular consequence: missense variant.
Genome position (GRCh38, 1-based): chr2:227,290,065, G>T. VCF-style: chr2-227290065-G-T. GRCh37 (hg19) VCF-style: chr2-228154781-G-T.
Other names: short protein forms S1016I.
Identifiers: ClinVar variation 4851290 (VCV004851290.1).